The following is an entry in ClinVar:

ClinVar aggregate classification (germline): Likely benign (1 of 4 stars; one submission).

Conditions:
Familial cancer of breast. Also called: Hereditary breast cancer; hereditary breast carcinoma; BREAST CANCER, FAMILIAL. Identifiers: Orphanet 227535, MedGen C0346153, MONDO:0016419, OMIM 114480. Disease mechanism: loss of function.

Submission:

Myriad Genetics, Inc.
Classification: Likely benign for Familial cancer of breast. Last evaluated: 2025-01-14. Review status: criteria provided, single submitter. Criteria: Myriad Autosomal Dominant, Autosomal Recessive and X-Linked Classification Criteria (2023). Collection method: clinical testing. Allele origin: unknown.
Comment: This variant is considered likely benign. This variant is intronic and is not expected to impact mRNA splicing.

NM_024675.4(PALB2):c.1684+9A>G

Gene: PALB2 (partner and localizer of BRCA2; minus strand). Cytogenetic location: 16p12.2.
Variant type: single nucleotide variant.
Coding change: c.1684+9A>G on transcript NM_024675.4 (MANE Select); 9 bases into the intron after coding-DNA position 1684, A replaced by G.
Molecular consequence: intron variant.
Genome position (GRCh38, 1-based): chr16:23,634,853, T>C on the plus strand (A>G on the coding strand, the complement: PALB2 is on the minus strand). VCF-style: chr16-23634853-T-C. GRCh37 (hg19) VCF-style: chr16-23646174-T-C.
Other names: c.799+9A>G (NM_001407308.1, NM_001407306.1, NM_001407307.1 and 5 more transcripts); c.49-5578A>G (NM_001407314.1); c.-104-4384A>G (NM_001407313.1, NM_001407312.1); c.1624+9A>G (NM_001407296.1); c.1684+9A>G (NM_001407297.1, NM_001407302.1, NM_001407298.1 and 3 more transcripts).
Identifiers: ClinVar variation 3903729 (VCV003903729.1).